The following is an entry in ClinVar:

ClinVar aggregate classification (germline): Uncertain significance (1 of 4 stars; one submission).

Allele frequency attached by ClinVar (database versions not stated): gnomAD 0.00001; ESP Exome Variant Server 0.00008.
gnomAD v4.1: 4 of 1,613,758 alleles (0.00025%); highest among the groups gnomAD compares: African/African-American, 0.004%; no homozygotes.

Submission:

Labcorp Genetics (formerly Invitae), Labcorp
Classification: Uncertain significance. Last evaluated: 2025-03-10. Review status: criteria provided, single submitter. Criteria: Invitae Variant Classification Sherloc (09022015). Collection method: clinical testing. Allele origin: germline.
Comment: This sequence change replaces alanine, which is neutral and non-polar, with serine, which is neutral and polar, at codon 925 of the CENPJ protein (p.Ala925Ser). This variant is present in population databases (rs371350350, gnomAD 0.01%). This variant has not been reported in the literature in individuals affected with CENPJ-related conditions. ClinVar contains an entry for this variant (Variation ID: 1934698). Invitae Evidence Modeling of protein sequence and biophysical properties (such as structural, functional, and spatial information, amino acid conservation, physicochemical variation, residue mobility, and thermodynamic stability) indicates that this missense variant is not expected to disrupt CENPJ protein function with a negative predictive value of 80%. In summary, the available evidence is currently insufficient to determine the role of this variant in disease. Therefore, it has been classified as a Variant of Uncertain Significance.

NM_018451.5(CPAP):c.2773G>T (p.Ala925Ser)

Gene: CPAP (centrosome assembly and centriole elongation protein; minus strand). Cytogenetic location: 13q12.13.
Variant type: single nucleotide variant.
Coding change: c.2773G>T on transcript NM_018451.5 (MANE Select); coding-DNA position 2773, G replaced by T.
Protein change: p.Ala925Ser; replaces alanine 925 with serine.
Molecular consequence: missense variant. On other transcripts: non-coding transcript variant (2).
Genome position (GRCh38, 1-based): chr13:24,903,978, C>A on the plus strand (G>T on the coding strand, the complement: CPAP is on the minus strand). VCF-style: chr13-24903978-C-A. GRCh37 (hg19) VCF-style: chr13-25478116-C-A.
Other names: short protein forms A925S.
Identifiers: ClinVar variation 1934698 (VCV001934698.5), dbSNP rs371350350, ClinGen allele CA6919524.